The following is an entry in ClinVar:

NM_013275.6(ANKRD11):c.2090_2091del (p.Glu697fs)

Gene: ANKRD11 (ankyrin repeat domain 11; minus strand). Cytogenetic location: 16q24.3.
Variant type: Deletion.
Coding change: c.2090_2091del on transcript NM_013275.6 (MANE Select); coding-DNA positions 2090 to 2091, 2 bases deleted (AA; older notation c.2090_2091delAA).
Protein change: p.Glu697fs; shifts the reading frame from glutamic acid 697.
Molecular consequence: frameshift variant.
Genome position (GRCh38, 1-based): chr16:89,284,451-89,284,452, TT deleted on the plus strand (AA on the coding strand, the reverse complement: ANKRD11 is on the minus strand). VCF-style (leftmost placement, unchanged base first): chr16-89284450-CTT-C. GRCh37 (hg19) VCF-style: chr16-89350858-CTT-C.
Other names: c.2090_2091delAA (NM_013275.4); c.2090_2091del, p.Glu697fs (NM_001256182.2, NM_001256183.2); short protein forms E697fs.
Identifiers: ClinVar variation 2499556 (VCV002499556.3), dbSNP rs2544242573, ClinGen allele CA2580092311.

ClinVar aggregate classification (germline): Pathogenic. Review status: criteria provided, multiple submitters, no conflicts (2 of 4 stars). 2 submissions from 2 submitters: Pathogenic (2). Last evaluated 2024-11-12.

Conditions:
KBG syndrome (KBGS). Also called: ANKRD11-Related KBG Syndrome. Identifiers: Orphanet 2332, MedGen C0220687, MONDO:0007846, OMIM 148050.
Inborn genetic diseases. Identifiers: MedGen C0950123, MeSH D030342.

Submissions (2):

Ambry Genetics
Classification: Pathogenic for Inborn genetic diseases. Last evaluated: 2024-11-12. Review status: criteria provided, single submitter. Criteria: Ambry Variant Classification Scheme 2023. Collection method: clinical testing. Allele origin: germline.
Comment: The c.2090_2091delAA (p.E697Gfs*4) alteration, located in exon 9 (coding exon 7) of the ANKRD11 gene, consists of a deletion of 2 nucleotides from position 2090 to 2091, causing a translational frameshift with a predicted alternate stop codon after 4 amino acids. This alteration is expected to result in loss of function by premature protein truncation or nonsense-mediated mRNA decay. This variant was not reported in population-based cohorts in the Genome Aggregation Database (gnomAD). Based on the available evidence, this alteration is classified as pathogenic.

Duke University Health System Sequencing Clinic, Duke University Health System
Classification: Pathogenic for KBG syndrome. Last evaluated: 2023-04-20. Review status: criteria provided, single submitter. Criteria: ACMG Guidelines, 2015. Collection method: research. Allele origin: de novo. Affected: yes.